The following is an entry in ClinVar:

ClinVar aggregate classification (germline): Uncertain significance (1 of 4 stars; one submission).

gnomAD v4.1: 1 of 1,613,856 alleles (0.000062%); highest among the groups gnomAD compares: East Asian, 0.0022%; no homozygotes.

Submission:

Labcorp Genetics (formerly Invitae), Labcorp
Classification: Uncertain significance. Last evaluated: 2024-08-28. Review status: criteria provided, single submitter. Criteria: Invitae Variant Classification Sherloc (09022015). Collection method: clinical testing. Allele origin: germline.
Comment: This sequence change replaces isoleucine, which is neutral and non-polar, with valine, which is neutral and non-polar, at codon 2156 of the HSPG2 protein (p.Ile2156Val). This variant is not present in population databases (gnomAD no frequency). This variant has not been reported in the literature in individuals affected with HSPG2-related conditions. An algorithm developed to predict the effect of missense changes on protein structure and function (PolyPhen-2) suggests that this variant is likely to be tolerated. In summary, the available evidence is currently insufficient to determine the role of this variant in disease. Therefore, it has been classified as a Variant of Uncertain Significance.

NM_005529.7(HSPG2):c.6466A>G (p.Ile2156Val)

Genes: HSPG2 (heparan sulfate proteoglycan 2; minus strand), LOC126805655 (CDK7 strongly-dependent group 2 enhancer GRCh37_chr1:22178409-22179608; plus strand). Cytogenetic location: 1p36.12.
Variant type: single nucleotide variant.
Coding change: c.6466A>G on transcript NM_005529.7 (MANE Select); coding-DNA position 6466, A replaced by G.
Protein change: p.Ile2156Val; replaces isoleucine 2156 with valine.
Molecular consequence: missense variant.
Genome position (GRCh38, 1-based): chr1:21,853,044, T>C on the plus strand (A>G on the coding strand, the complement: HSPG2 is on the minus strand). VCF-style: chr1-21853044-T-C. GRCh37 (hg19) VCF-style: chr1-22179537-T-C.
Other names: c.6469A>G, p.Ile2157Val (NM_001291860.2); short protein forms I2156V, I2157V.
Identifiers: ClinVar variation 3614625 (VCV003614625.2).